The following is an entry in ClinVar:

ClinVar aggregate classification (germline): Uncertain significance (1 of 4 stars; one submission).

Conditions:
Alstrom syndrome (ALMS). Identifiers: Orphanet 64, MedGen C0268425, MONDO:0008763, OMIM 203800.

Submission:

Labcorp Genetics (formerly Invitae), Labcorp
Classification: Uncertain significance for Alstrom syndrome. Last evaluated: 2021-10-31. Review status: criteria provided, single submitter. Criteria: Invitae Variant Classification Sherloc (09022015). Collection method: clinical testing. Allele origin: germline.
Comment: This sequence change replaces leucine, which is neutral and non-polar, with valine, which is neutral and non-polar, at codon 836 of the ALMS1 protein (p.Leu836Val). This variant is not present in population databases (gnomAD no frequency). This variant has not been reported in the literature in individuals affected with ALMS1-related conditions. Experimental studies and prediction algorithms are not available or were not evaluated, and the functional significance of this variant is currently unknown. In summary, the available evidence is currently insufficient to determine the role of this variant in disease. Therefore, it has been classified as a Variant of Uncertain Significance.

NM_001378454.1(ALMS1):c.2503C>G (p.Leu835Val)

Gene: ALMS1 (ALMS1 centrosome and basal body associated protein; plus strand). Cytogenetic location: 2p13.1.
Variant type: single nucleotide variant.
Coding change: c.2503C>G on transcript NM_001378454.1 (MANE Select); coding-DNA position 2503, C replaced by G.
Protein change: p.Leu835Val; replaces leucine 835 with valine.
Molecular consequence: missense variant.
Genome position (GRCh38, 1-based): chr2:73,449,030, C>G. VCF-style: chr2-73449030-C-G. GRCh37 (hg19) VCF-style: chr2-73676157-C-G.
Other names: c.2506C>G, p.Leu836Val (NM_015120.4); short protein forms L836V, L835V.
Identifiers: ClinVar variation 1390432 (VCV001390432.3), dbSNP rs2103775468, ClinGen allele CA347270331.
Genomic context (GRCh38, chr2:73,449,030, plus strand): 5'-GAGAAGCTCCTTGTTTTCTACCAACAGGCCTTGCTGGACAGCCATCTACCCGAAGAGGCT[C>G]TGAAAGTTTCAGCTGTTTCTGGACCAGCTGACGGAAAGACTGGGACACCAGCTGTAACCT-3'
Protein context (NP_001365383.1, residues 825-845): LLDSHLPEEA[Leu835Val]KVSAVSGPAD